The following is an entry in ClinVar:

ClinVar aggregate classification (germline): Likely benign (1 of 4 stars; one submission).

gnomAD v4.1: 100 of 1,612,630 alleles (0.0062%); highest among the groups gnomAD compares: Middle Eastern, 0.071%; no homozygotes.

Submission:

CeGaT Center for Human Genetics Tuebingen
Classification: Likely benign. Last evaluated: 2022-10-01. Review status: criteria provided, single submitter. Criteria: CeGaT Center For Human Genetics Tuebingen Variant Classification Criteria Version 2. Collection method: clinical testing. Allele origin: germline. Affected: yes. Observed: 1 variant allele.
Comment: PRMT1: BP4, BP7

NM_001536.6(PRMT1):c.981G>A (p.Thr327=)

Gene: PRMT1 (protein arginine methyltransferase 1; plus strand). Cytogenetic location: 19q13.33.
Variant type: single nucleotide variant.
Coding change: c.981G>A on transcript NM_001536.6 (MANE Select); coding-DNA position 981, G replaced by A.
Protein change: p.Thr327=; no amino-acid change (threonine 327 retained).
Molecular consequence: synonymous variant. On other transcripts: non-coding transcript variant (1).
Genome position (GRCh38, 1-based): chr19:49,686,675, G>A. VCF-style: chr19-49686675-G-A. GRCh37 (hg19) VCF-style: chr19-50189932-G-A.
Other names: c.723G>A, p.Thr241= (NM_001207042.3); c.927G>A, p.Thr309= (NM_198318.5).
Identifiers: ClinVar variation 2650283 (VCV002650283.24), dbSNP rs149767260, ClinGen allele CA9581494.